The following is an entry in ClinVar:

NM_001374736.1(DST):c.15216G>A (p.Trp5072Ter)

Gene: DST (dystonin; minus strand). Cytogenetic location: 6p12.1.
Variant type: single nucleotide variant.
Coding change: c.15216G>A on transcript NM_001374736.1 (MANE Select); coding-DNA position 15216, G replaced by A.
Protein change: p.Trp5072Ter; replaces tryptophan 5072 with a stop codon.
Molecular consequence: nonsense.
Genome position (GRCh38, 1-based): chr6:56,553,576, C>T on the plus strand (G>A on the coding strand, the complement: DST is on the minus strand). VCF-style: chr6-56553576-C-T. GRCh37 (hg19) VCF-style: chr6-56418374-C-T.
Other names: c.8859G>A, p.Trp2953Ter (NM_001144769.5); c.8445G>A, p.Trp2815Ter (NM_001144770.2); c.15216G>A, p.Trp5072Ter (NM_001374722.1); c.14583G>A, p.Trp4861Ter (NM_001374729.1); c.8325G>A, p.Trp2775Ter (NM_001374730.1, NM_001386100.1, NM_183380.4); c.15243G>A, p.Trp5081Ter (NM_001374734.1); c.7347G>A, p.Trp2449Ter (NM_015548.5); short protein forms W2449*, W2775*, W2815*, W2953*, W5072*, W4861*, W5081*.
Identifiers: ClinVar variation 452321 (VCV000452321.12), dbSNP rs893650971, ClinGen allele CA364517866.

ClinVar aggregate classification (germline): Pathogenic/Likely pathogenic. Review status: criteria provided, multiple submitters, no conflicts (2 of 4 stars). 2 submissions from 2 submitters: Pathogenic (1); Likely pathogenic (1). Last evaluated 2021-04-13.

Conditions:
Hereditary sensory and autonomic neuropathy type 6. Also called: HSAN VI; Neuropathy, hereditary sensory and autonomic, type VI. Identifiers: Orphanet 314381, MedGen C3539003, MONDO:0013839, OMIM 614653.
Epidermolysis bullosa simplex 3, localized or generalized intermediate, with BP230 deficiency (EBS3). Also called: Epidermolysis bullosa simplex, autosomal recessive 2; Epidermolysis bullosa simplex due to BP230 deficiency. Identifiers: Orphanet 412181, MedGen C3809470, MONDO:0014180, OMIM 615425.

Submissions (2):

GeneDx
Classification: Likely pathogenic. Last evaluated: 2021-04-13. Review status: criteria provided, single submitter. Criteria: GeneDx Variant Classification Process June 2021. Collection method: clinical testing. Allele origin: germline. Affected: yes.
Comment: Single/multi-exon deletion in a gene for which loss-of-function is a known mechanism of disease; Not observed in large population cohorts (Lek et al., 2016); Has not been previously published as pathogenic or benign to our knowledge

Labcorp Genetics (formerly Invitae), Labcorp
Classification: Pathogenic for Epidermolysis bullosa simplex 3, localized or generalized intermediate, with BP230 deficiency; Hereditary sensory and autonomic neuropathy type 6. Last evaluated: 2019-02-14. Review status: criteria provided, single submitter. Criteria: Invitae Variant Classification Sherloc (09022015). Collection method: clinical testing. Allele origin: germline.
Comment: For these reasons, this variant has been classified as Pathogenic. Loss-of-function variants in DST are known to be pathogenic (PMID: 25059916). This variant has not been reported in the literature in individuals with DST-related conditions. ClinVar contains an entry for this variant (Variation ID: 452321). This variant is not present in population databases (ExAC no frequency). This sequence change creates a premature translational stop signal (p.Trp2449*) in the DST gene. It is expected to result in an absent or disrupted protein product. The DST gene has multiple clinically relevant transcripts. The p.Trp2449* variant occurs in alternate transcript NM_015548.4, which corresponds to c.*61941G>A in NM_001723.5, the primary transcript listed in the Methods.

Literature cited by the submitters: PubMed 25059916 (cited by Labcorp Genetics (formerly Invitae), Labcorp).